The following is an entry in ClinVar:

ClinVar aggregate classification (germline): Uncertain significance (1 of 4 stars; one submission).

Conditions:
Hereditary cancer-predisposing syndrome. Also called: Neoplastic Syndromes, Hereditary; Tumor predisposition; Hereditary Cancer Syndrome; Hereditary neoplastic syndrome. Identifiers: Orphanet 140162, MedGen C0027672, MeSH D009386, MONDO:0015356.

Submission:

Ambry Genetics
Classification: Uncertain significance for Hereditary cancer-predisposing syndrome. Last evaluated: 2022-08-04. Review status: criteria provided, single submitter. Criteria: Ambry Variant Classification Scheme 2023. Collection method: clinical testing. Allele origin: germline.
Comment: The p.D717E variant (also known as c.2151C>A), located in coding exon 14 of the PTCH1 gene, results from a C to A substitution at nucleotide position 2151. The aspartic acid at codon 717 is replaced by glutamic acid, an amino acid with highly similar properties. This amino acid position is conserved. In addition, this alteration is predicted to be tolerated by in silico analysis. Since supporting evidence is limited at this time, the clinical significance of this alteration remains unclear.

NM_000264.5(PTCH1):c.2151C>A (p.Asp717Glu)

Genes: PTCH1 (patched 1; minus strand), LOC100507346 (uncharacterized LOC100507346; plus strand). Cytogenetic location: 9q22.32.
Variant type: single nucleotide variant.
Coding change: c.2151C>A on transcript NM_000264.5 (MANE Select); coding-DNA position 2151, C replaced by A.
Protein change: p.Asp717Glu; replaces aspartic acid 717 with glutamic acid.
Molecular consequence: missense variant. On other transcripts: non-coding transcript variant (2).
Genome position (GRCh38, 1-based): chr9:95,468,850, G>T on the plus strand (C>A on the coding strand, the complement: PTCH1 is on the minus strand). VCF-style: chr9-95468850-G-T. GRCh37 (hg19) VCF-style: chr9-98231132-G-T.
Other names: c.1953C>A, p.Asp651Glu (NM_001083602.3); c.2148C>A, p.Asp716Glu (NM_001083603.3); c.1698C>A, p.Asp566Glu (NM_001083604.3, NM_001083605.3, NM_001083606.3 and 1 more transcripts); c.1995C>A, p.Asp665Glu (NM_001354918.2); short protein forms D665E, D651E, D716E, D717E, D566E.
Identifiers: ClinVar variation 1786755 (VCV001786755.2), dbSNP rs1432530307, ClinGen allele CA374115536.
Genomic context (GRCh38, chr9:95,468,850, plus strand): 5'-CTCAGCAAAAGATGAGAGTGTCCACTTCGTACAGGGGGGCTCGAGGCAGTGGAGGCTGGA[G>T]TCGGAGAACTGGGAGAGCAGGTCCCTTGTGGAGCTGGTGCTCTCTGGGCTCTGGCAGCTG-3'
Protein context (NP_000255.2, residues 707-727): STRDLLSQFS[Asp717Glu]SSLHCLEPPC